The following is an entry in ClinVar:

NM_001148.6(ANK2):c.10081C>T (p.Leu3361Phe)

Gene: ANK2 (ankyrin 2; plus strand). Cytogenetic location: 4q26.
Variant type: single nucleotide variant.
Coding change: c.10081C>T on transcript NM_001148.6 (MANE Select); coding-DNA position 10081, C replaced by T.
Protein change: p.Leu3361Phe; replaces leucine 3361 with phenylalanine.
Molecular consequence: missense variant. On other transcripts: intron variant (68).
Genome position (GRCh38, 1-based): chr4:113,358,699, C>T. VCF-style: chr4-113358699-C-T. GRCh37 (hg19) VCF-style: chr4-114279855-C-T.
Other names: c.9847C>T, p.Leu3283Phe (NM_001386142.1); c.6481C>T, p.Leu2161Phe (NM_001386166.1); c.10222C>T, p.Leu3408Phe (NM_001386174.1); c.10198C>T, p.Leu3400Phe (NM_001386175.1); c.4412-2124C>T (NM_001386186.2, NM_001386148.2); c.4214-2124C>T (NM_001354269.3); c.4292-2124C>T (NM_001386187.2); c.4253-2124C>T (NM_001386147.1); and 35 more; short protein forms L3283F, L3361F, L3400F, L2161F, L3408F.
Identifiers: ClinVar variation 3728915 (VCV003728915.2).

ClinVar aggregate classification (germline): Uncertain significance (1 of 4 stars; one submission).

Conditions:
Long QT syndrome (LQTS). Identifiers: MedGen C0023976, MeSH D008133, MONDO:0002442. Disease mechanism: loss of function. Inheritance: Various modes of inheritance.

Submission:

Labcorp Genetics (formerly Invitae), Labcorp
Classification: Uncertain significance for Long QT syndrome. Last evaluated: 2025-01-13. Review status: criteria provided, single submitter. Criteria: Invitae Variant Classification Sherloc (09022015). Collection method: clinical testing. Allele origin: germline.
Comment: This sequence change replaces leucine, which is neutral and non-polar, with phenylalanine, which is neutral and non-polar, at codon 3361 of the ANK2 protein (p.Leu3361Phe). This variant is not present in population databases (gnomAD no frequency). This variant has not been reported in the literature in individuals affected with ANK2-related conditions. An algorithm developed to predict the effect of missense changes on protein structure and function outputs the following: PolyPhen-2: "Benign". The phenylalanine amino acid residue is found in multiple mammalian species, which suggests that this missense change does not adversely affect protein function. In summary, the available evidence is currently insufficient to determine the role of this variant in disease. Therefore, it has been classified as a Variant of Uncertain Significance.